The following is an entry in ClinVar:

ClinVar aggregate classification (germline): Uncertain significance (1 of 4 stars; one submission).

Conditions:
Developmental and epileptic encephalopathy. Identifiers: MedGen C5779964, MONDO:0100620.

Allele frequency attached by ClinVar (database versions not stated): gnomAD exomes below 0.00001; TOPMed below 0.00001.
gnomAD v4.1: 1 of 1,551,506 alleles (0.000064%); highest among the groups gnomAD compares: Middle Eastern, 0.017%; no homozygotes.

Submission:

Labcorp Genetics (formerly Invitae), Labcorp
Classification: Uncertain significance for Early-infantile DEE. Last evaluated: 2022-08-04. Review status: criteria provided, single submitter. Criteria: Invitae Variant Classification Sherloc (09022015). Collection method: clinical testing. Allele origin: germline.
Comment: This sequence change falls in intron 13 of the CACNA2D2 gene. It does not directly change the encoded amino acid sequence of the CACNA2D2 protein. This variant is not present in population databases (gnomAD no frequency). This variant has not been reported in the literature in individuals affected with CACNA2D2-related conditions. Algorithms developed to predict the effect of sequence changes on RNA splicing suggest that this variant may disrupt the consensus splice site. In summary, the available evidence is currently insufficient to determine the role of this variant in disease. Therefore, it has been classified as a Variant of Uncertain Significance.

NM_006030.4(CACNA2D2):c.1340-12C>T

Gene: CACNA2D2 (calcium voltage-gated channel auxiliary subunit alpha2delta 2; minus strand). Cytogenetic location: 3p21.31.
Variant type: single nucleotide variant.
Coding change: c.1340-12C>T on transcript NM_006030.4 (MANE Select); 12 bases into the intron before coding-DNA position 1340, C replaced by T.
Molecular consequence: intron variant.
Genome position (GRCh38, 1-based): chr3:50,378,345, G>A on the plus strand (C>T on the coding strand, the complement: CACNA2D2 is on the minus strand). VCF-style: chr3-50378345-G-A. GRCh37 (hg19) VCF-style: chr3-50415776-G-A.
Other names: c.1133-12C>T (NM_001291101.1); c.1340-12C>T (NM_001005505.3, NM_001174051.3).
Identifiers: ClinVar variation 2199581 (VCV002199581.1), dbSNP rs1297780337, ClinGen allele CA907919797.
Genomic context (GRCh38, chr3:50,378,345, plus strand): 5'-TGTGTGTTGATGCGGATGGCTCCGATGGAAGGGATCTCAAAATAGTAGCCTGTGAAGGAA[G>A]GAGAGGCAGAGGTGGGCCTGGCTGGCACTGCAGGATCCATGTGCAGAGGGCCCTGCCCCT-3'